The following is an entry in ClinVar:

NM_003924.4(PHOX2B):c.601A>T (p.Asn201Tyr)

Gene: PHOX2B (paired like homeobox 2B; minus strand). Cytogenetic location: 4p13.
Variant type: single nucleotide variant.
Coding change: c.601A>T on transcript NM_003924.4 (MANE Select); coding-DNA position 601, A replaced by T.
Protein change: p.Asn201Tyr; replaces asparagine 201 with tyrosine.
Molecular consequence: missense variant.
Genome position (GRCh38, 1-based): chr4:41,746,151, T>A on the plus strand (A>T on the coding strand, the complement: PHOX2B is on the minus strand). VCF-style: chr4-41746151-T-A. GRCh37 (hg19) VCF-style: chr4-41748168-T-A.
Other names: short protein forms N201Y.
Identifiers: ClinVar variation 5026624 (VCV005026624.1).

ClinVar aggregate classification (germline): Uncertain significance (1 of 4 stars; one submission).

Conditions:
Hereditary cancer-predisposing syndrome. Also called: Neoplastic Syndromes, Hereditary; Tumor predisposition; Hereditary neoplastic syndrome; Hereditary Cancer Syndrome. Identifiers: Orphanet 140162, MedGen C0027672, MeSH D009386, MONDO:0015356.

Submission:

Ambry Genetics
Classification: Uncertain significance for Hereditary cancer-predisposing syndrome. Last evaluated: 2026-07-07. Review status: criteria provided, single submitter. Criteria: Ambry Variant Classification Scheme 2023. Collection method: clinical testing. Allele origin: germline.
Comment: The p.N201Y variant (also known as c.601A>T), located in coding exon 3 of the PHOX2B gene, results from an A to T substitution at nucleotide position 601. The asparagine at codon 201 is replaced by tyrosine, an amino acid with dissimilar properties. This amino acid position is conserved. In addition, this alteration is predicted to be tolerated by in silico analysis. Based on the available evidence, the clinical significance of this variant remains unclear.